The following is an entry in ClinVar:

ClinVar aggregate classification (germline): Uncertain significance (1 of 4 stars; one submission).

gnomAD v4.1: 2 of 1,614,140 alleles (0.00012%); highest among the groups gnomAD compares: Non-Finnish European, 0.00017%; no homozygotes.

Submission:

Labcorp Genetics (formerly Invitae), Labcorp
Classification: Uncertain significance. Last evaluated: 2025-11-28. Review status: criteria provided, single submitter. Criteria: Invitae Variant Classification Sherloc (09022015). Collection method: clinical testing. Allele origin: germline.
Comment: This sequence change replaces glutamine, which is neutral and polar, with arginine, which is basic and polar, at codon 28 of the GLIS3 protein (p.Gln28Arg). This variant is not present in population databases (gnomAD no frequency). This variant has not been reported in the literature in individuals affected with GLIS3-related conditions. An algorithm developed to predict the effect of missense changes on protein structure and function (PolyPhen-2) suggests that this variant is likely to be tolerated. In summary, the available evidence is currently insufficient to determine the role of this variant in disease. Therefore, it has been classified as a Variant of Uncertain Significance.

NM_001042413.2(GLIS3):c.548A>G (p.Gln183Arg)

Gene: GLIS3 (GLIS family zinc finger 3; minus strand). Cytogenetic location: 9p24.2.
Variant type: single nucleotide variant.
Coding change: c.548A>G on transcript NM_001042413.2 (MANE Select); coding-DNA position 548, A replaced by G.
Protein change: p.Gln183Arg; replaces glutamine 183 with arginine.
Molecular consequence: missense variant. On other transcripts: intron variant (3).
Genome position (GRCh38, 1-based): chr9:4,125,782, T>C on the plus strand (A>G on the coding strand, the complement: GLIS3 is on the minus strand). VCF-style: chr9-4125782-T-C. GRCh37 (hg19) VCF-style: chr9-4125782-T-C.
Other names: c.-70-6901A>G (NM_001438911.1, NM_001438916.1, NM_001438912.1); c.548A>G, p.Gln183Arg (NM_001438906.1, NM_001438907.1, NM_001438908.1 and 2 more transcripts); c.83A>G, p.Gln28Arg (NM_001438909.1, NM_001438915.1, NM_152629.4); short protein forms Q183R, Q28R.
Identifiers: ClinVar variation 4774702 (VCV004774702.1).